The following is an entry in ClinVar:

ClinVar aggregate classification (germline): Uncertain significance (1 of 4 stars; one submission).

Conditions:
Hypoplastic left heart syndrome. Also called: Hypoplastic left ventricle; Hypoplastic left heart. Identifiers: Orphanet 2248, MedGen C0152101, MONDO:0004933, HP:0004383.

Allele frequency attached by ClinVar (database versions not stated): gnomAD exomes below 0.00001; TOPMed 0.00001.
gnomAD v4.1: 3 of 1,601,882 alleles (0.00019%); highest among the groups gnomAD compares: Non-Finnish European, 0.00025%; no homozygotes.

Submission:

Labcorp Genetics (formerly Invitae), Labcorp
Classification: Uncertain significance for Hypoplastic left heart syndrome. Last evaluated: 2023-03-10. Review status: criteria provided, single submitter. Criteria: Invitae Variant Classification Sherloc (09022015). Collection method: clinical testing. Allele origin: germline.
Comment: This sequence change replaces arginine, which is basic and polar, with serine, which is neutral and polar, at codon 77 of the HAND1 protein (p.Arg77Ser). This variant is not present in population databases (gnomAD no frequency). This variant has not been reported in the literature in individuals affected with HAND1-related conditions. An algorithm developed to predict the effect of missense changes on protein structure and function (PolyPhen-2) suggests that this variant is likely to be tolerated. In summary, the available evidence is currently insufficient to determine the role of this variant in disease. Therefore, it has been classified as a Variant of Uncertain Significance.

NM_004821.3(HAND1):c.231G>T (p.Arg77Ser)

Gene: HAND1 (heart and neural crest derivatives expressed 1; minus strand). Cytogenetic location: 5q33.2.
Variant type: single nucleotide variant.
Coding change: c.231G>T on transcript NM_004821.3 (MANE Select); coding-DNA position 231, G replaced by T.
Protein change: p.Arg77Ser; replaces arginine 77 with serine.
Molecular consequence: missense variant.
Genome position (GRCh38, 1-based): chr5:154,477,778, C>A on the plus strand (G>T on the coding strand, the complement: HAND1 is on the minus strand). VCF-style: chr5-154477778-C-A. GRCh37 (hg19) VCF-style: chr5-153857338-C-A.
Other names: short protein forms R77S.
Identifiers: ClinVar variation 2886096 (VCV002886096.3), dbSNP rs1373952727, ClinGen allele CA361923066.